The following is an entry in ClinVar:

ClinVar aggregate classification (germline): Uncertain significance. Review status: criteria provided, multiple submitters, no conflicts (2 of 4 stars). 2 submissions from 2 submitters: Uncertain significance (2). Last evaluated 2024-08-20.

Conditions:
Immunodeficiency 25. Also called: Immunodeficiency due to defect in cd3-zeta, somatic. Identifiers: MedGen C1857798, MONDO:0012426, OMIM 610163.

Allele frequency attached by ClinVar (database versions not stated): gnomAD 0.00001; TOPMed 0.00001; gnomAD exomes 0.00013; ExAC 0.00014.
gnomAD v4.1: 109 of 1,614,198 alleles (0.0068%); highest among the groups gnomAD compares: South Asian, 0.091%; 3 homozygotes.

Submissions (2):

Ambry Genetics
Classification: Uncertain significance. Last evaluated: 2024-08-20. Review status: criteria provided, single submitter. Criteria: Ambry Variant Classification Scheme 2023. Collection method: clinical testing. Allele origin: germline.

Labcorp Genetics (formerly Invitae), Labcorp
Classification: Uncertain significance for Immunodeficiency 25. Last evaluated: 2022-08-31. Review status: criteria provided, single submitter. Criteria: Invitae Variant Classification Sherloc (09022015). Collection method: clinical testing. Allele origin: germline.
Comment: This sequence change replaces arginine, which is basic and polar, with tryptophan, which is neutral and slightly polar, at codon 133 of the CD247 protein (p.Arg133Trp). This variant is present in population databases (rs751981677, gnomAD 0.1%). This variant has not been reported in the literature in individuals affected with CD247-related conditions. ClinVar contains an entry for this variant (Variation ID: 1057409). Algorithms developed to predict the effect of missense changes on protein structure and function are either unavailable or do not agree on the potential impact of this missense change (SIFT: "Deleterious"; PolyPhen-2: "Probably Damaging"; Align-GVGD: "Class C0"). Algorithms developed to predict the effect of sequence changes on RNA splicing suggest that this variant may disrupt the consensus splice site. In summary, the available evidence is currently insufficient to determine the role of this variant in disease. Therefore, it has been classified as a Variant of Uncertain Significance.

NM_198053.3(CD247):c.397C>T (p.Arg133Trp)

Gene: CD247 (CD247 molecule; minus strand). Cytogenetic location: 1q24.2.
Variant type: single nucleotide variant.
Coding change: c.397C>T on transcript NM_198053.3 (MANE Select); coding-DNA position 397, C replaced by T.
Protein change: p.Arg133Trp; replaces arginine 133 with tryptophan.
Molecular consequence: missense variant.
Genome position (GRCh38, 1-based): chr1:167,433,056, G>A on the plus strand (C>T on the coding strand, the complement: CD247 is on the minus strand). VCF-style: chr1-167433056-G-A. GRCh37 (hg19) VCF-style: chr1-167402293-G-A.
Other names: c.394C>T, p.Arg132Trp (NM_000734.4); c.490C>T, p.Arg164Trp (NM_001378515.1); c.487C>T, p.Arg163Trp (NM_001378516.1); c.397C>T (NM_198053.2); short protein forms R132W, R133W, R163W, R164W.
Identifiers: ClinVar variation 1057409 (VCV001057409.3), dbSNP rs751981677, ClinGen allele CA1225901.
Genomic context (GRCh38, chr1:167,433,056, plus strand): 5'-CCACTGAAGGGACGCCGGCAGCTCCTACCTGGTAAAGGCCATCGTGCCCCTTGCCCCTCC[G>A]GCGCTGGTTGTTTGGGAGTGAAATGAGAAAAGGATTAGAAAGTCAGGCAGTCAGTAGTGG-3'
Protein context (NP_932170.1, residues 123-143): YSEIGMKGER[Arg133Trp]RGKGHDGLYQ